The following is an entry in ClinVar:

ClinVar aggregate classification (germline): Uncertain significance (1 of 4 stars; one submission).

Submission:

GeneDx
Classification: Uncertain significance. Last evaluated: 2025-04-22. Review status: criteria provided, single submitter. Criteria: GeneDx Variant Classification Process June 2021. Collection method: clinical testing. Allele origin: germline. Affected: yes.
Comment: Not observed at significant frequency in large population cohorts (gnomAD); Published functional studies suggest a damaging effect on protein expression (PMID: 37551667); In silico analysis supports that this missense variant has a deleterious effect on protein structure/function; This variant is associated with the following publications: (PMID: 37551667)

NM_001330288.2(SMARCC2):c.748G>A (p.Glu250Lys)

Gene: SMARCC2 (SWI/SNF related BAF chromatin remodeling complex subunit C2; minus strand). Cytogenetic location: 12q13.2.
Variant type: single nucleotide variant.
Coding change: c.748G>A on transcript NM_001330288.2 (MANE Select); coding-DNA position 748, G replaced by A.
Protein change: p.Glu250Lys; replaces glutamic acid 250 with lysine.
Molecular consequence: missense variant.
Genome position (GRCh38, 1-based): chr12:56,181,796, C>T on the plus strand (G>A on the coding strand, the complement: SMARCC2 is on the minus strand). VCF-style: chr12-56181796-C-T. GRCh37 (hg19) VCF-style: chr12-56575580-C-T.
Other names: c.748G>A, p.Glu250Lys (NM_001130420.3, NM_003075.5, NM_139067.4); short protein forms E250K.
Identifiers: ClinVar variation 4527199 (VCV004527199.1).